The following is an entry in ClinVar:

ClinVar aggregate classification (germline): Likely benign. Review status: criteria provided, single submitter (1 of 4 stars). 2 submissions from 2 submitters: Likely benign (1). 1 of the submissions does not count toward it. Last evaluated 2025-10-13.

Conditions:
INF2-related disorder. Also called: INF2-related condition.
Charcot-Marie-Tooth disease dominant intermediate E. Also called: CHARCOT-MARIE-TOOTH NEUROPATHY WITH FOCAL SEGMENTAL GLOMERULONEPHRITIS. Identifiers: Orphanet 93114, MedGen C4302667, MONDO:0013758, OMIM 614455.
Focal segmental glomerulosclerosis 5 (FSGS5). Identifiers: Orphanet 656, MedGen C2750475, MONDO:0013191, OMIM 613237.

Allele frequency attached by ClinVar (database versions not stated): gnomAD below 0.00001; ExAC 0.00017; 1000 Genomes Project 0.00020.
gnomAD v4.1: 67 of 1,119,144 alleles (0.006%); highest among the groups gnomAD compares: South Asian, 0.088%; no homozygotes.

Submissions (2):

Labcorp Genetics (formerly Invitae), Labcorp
Classification: Likely benign for Charcot-Marie-Tooth disease dominant intermediate E; Focal segmental glomerulosclerosis 5. Last evaluated: 2025-10-13. Review status: criteria provided, single submitter. Criteria: Invitae Variant Classification Sherloc (09022015). Collection method: clinical testing. Allele origin: germline.

PreventionGenetics, part of Exact Sciences
Classification: Likely benign for INF2-related condition. Last evaluated: 2023-09-11. Review status: no assertion criteria provided. Collection method: clinical testing. Allele origin: germline. Not counted in ClinVar's aggregate classification.
Comment: This variant is classified as likely benign based on ACMG/AMP sequence variant interpretation guidelines (Richards et al. 2015 PMID: 25741868, with internal and published modifications).

NM_022489.4(INF2):c.1348G>A (p.Gly450Arg)

Gene: INF2 (inverted formin 2; plus strand). Cytogenetic location: 14q32.33.
Variant type: single nucleotide variant.
Coding change: c.1348G>A on transcript NM_022489.4 (MANE Select); coding-DNA position 1348, G replaced by A.
Protein change: p.Gly450Arg; replaces glycine 450 with arginine.
Molecular consequence: missense variant.
Genome position (GRCh38, 1-based): chr14:104,707,615, G>A. VCF-style: chr14-104707615-G-A. GRCh37 (hg19) VCF-style: chr14-105173952-G-A.
Other names: c.1348G>A, p.Gly450Arg (NM_001031714.4); short protein forms G450R.
Identifiers: ClinVar variation 706431 (VCV000706431.10), dbSNP rs572969666, ClinGen allele CA7372565.